The following is an entry in ClinVar:

NM_152383.5(DIS3L2):c.1059A>C (p.Glu353Asp)

Gene: DIS3L2 (DIS3 like 3'-5' exoribonuclease 2; plus strand). Cytogenetic location: 2q37.1.
Variant type: single nucleotide variant.
Coding change: c.1059A>C on transcript NM_152383.5 (MANE Select); coding-DNA position 1059, A replaced by C.
Protein change: p.Glu353Asp; replaces glutamic acid 353 with aspartic acid.
Molecular consequence: missense variant. On other transcripts: non-coding transcript variant (2).
Genome position (GRCh38, 1-based): chr2:232,163,567, A>C. VCF-style: chr2-232163567-A-C. GRCh37 (hg19) VCF-style: chr2-233028277-A-C.
Other names: c.1059A>C, p.Glu353Asp (NM_001257281.2); short protein forms E353D.
Identifiers: ClinVar variation 2778328 (VCV002778328.3), dbSNP rs2469895759, ClinGen allele CA351154390.

ClinVar aggregate classification (germline): Uncertain significance (1 of 4 stars; one submission).

Conditions:
Perlman syndrome (PRLMNS). Identifiers: Orphanet 2849, MedGen C0796113, MONDO:0009965, OMIM 267000.

gnomAD v4.1: 1 of 1,614,158 alleles (0.000062%); no homozygotes.

Submission:

Labcorp Genetics (formerly Invitae), Labcorp
Classification: Uncertain significance for Perlman syndrome. Last evaluated: 2023-10-17. Review status: criteria provided, single submitter. Criteria: Invitae Variant Classification Sherloc (09022015). Collection method: clinical testing. Allele origin: germline.
Comment: This sequence change replaces glutamic acid, which is acidic and polar, with aspartic acid, which is acidic and polar, at codon 353 of the DIS3L2 protein (p.Glu353Asp). This variant is not present in population databases (gnomAD no frequency). This variant has not been reported in the literature in individuals affected with DIS3L2-related conditions. Advanced modeling of protein sequence and biophysical properties (such as structural, functional, and spatial information, amino acid conservation, physicochemical variation, residue mobility, and thermodynamic stability) performed at Invitae indicates that this missense variant is not expected to disrupt DIS3L2 protein function. In summary, the available evidence is currently insufficient to determine the role of this variant in disease. Therefore, it has been classified as a Variant of Uncertain Significance.